The following is an entry in ClinVar:

NM_020693.4(DSCAML1):c.-105G>C

Gene: DSCAML1 (DS cell adhesion molecule like 1; minus strand). Cytogenetic location: 11q23.3.
Variant type: single nucleotide variant.
Coding change: c.-105G>C on transcript NM_020693.4 (MANE Select); 105 bases upstream of the start codon, G replaced by C.
Molecular consequence: 5 prime UTR variant. On other transcripts: intron variant (1).
Genome position (GRCh38, 1-based): chr11:117,797,184, C>G on the plus strand (G>C on the coding strand, the complement: DSCAML1 is on the minus strand). VCF-style: chr11-117797184-C-G. GRCh37 (hg19) VCF-style: chr11-117667899-C-G.
Other names: c.-105G>C (NM_001367904.1); c.-362-16374G>C (NM_001367905.1).
Identifiers: ClinVar variation 1943326 (VCV001943326.5), dbSNP rs777313302, ClinGen allele CA6297712.

ClinVar aggregate classification (germline): Uncertain significance (1 of 4 stars; one submission).

Allele frequency attached by ClinVar (database versions not stated): TOPMed 0.00001; ExAC 0.00002.
gnomAD v4.1: 6 of 1,565,954 alleles (0.00038%); highest among the groups gnomAD compares: Admixed American, 0.0056%; no homozygotes.

Submission:

Labcorp Genetics (formerly Invitae), Labcorp
Classification: Uncertain significance. Last evaluated: 2025-04-28. Review status: criteria provided, single submitter. Criteria: Invitae Variant Classification Sherloc (09022015). Collection method: clinical testing. Allele origin: germline.
Comment: This sequence change replaces glycine, which is neutral and non-polar, with arginine, which is basic and polar, at codon 26 of the DSCAML1 protein (p.Gly26Arg). This variant is present in population databases (rs777313302, gnomAD 0.01%). This variant has not been reported in the literature in individuals affected with DSCAML1-related conditions. ClinVar contains an entry for this variant (Variation ID: 1943326). Experimental studies and prediction algorithms are not available or were not evaluated, and the functional significance of this variant is currently unknown. In summary, the available evidence is currently insufficient to determine the role of this variant in disease. Therefore, it has been classified as a Variant of Uncertain Significance.